The following is an entry in ClinVar:

ClinVar aggregate classification (germline): Pathogenic (1 of 4 stars; one submission).

Conditions:
Deficiency of alpha-mannosidase (MANSA). Also called: Alpha-Mannosidosis; LYSOSOMAL ALPHA-D-MANNOSIDASE DEFICIENCY; Mannosidosis, alpha-, types I and II. Identifiers: Orphanet 61, MedGen C0024748, MONDO:0009561, OMIM 248500.

Submission:

Labcorp Genetics (formerly Invitae), Labcorp
Classification: Pathogenic for Deficiency of alpha-mannosidase. Last evaluated: 2021-08-14. Review status: criteria provided, single submitter. Criteria: Invitae Variant Classification Sherloc (09022015). Collection method: clinical testing. Allele origin: germline.
Comment: For these reasons, this variant has been classified as Pathogenic. This variant has not been reported in the literature in individuals affected with MAN2B1-related conditions. This variant is not present in population databases (ExAC no frequency). This sequence change creates a premature translational stop signal (p.Tyr86Leufs*6) in the MAN2B1 gene. It is expected to result in an absent or disrupted protein product. Loss-of-function variants in MAN2B1 are known to be pathogenic (PMID: 9915946, 22161967).

Literature cited by the submitters: PubMed 9915946; PubMed 22161967.

NM_000528.4(MAN2B1):c.256dup (p.Tyr86fs)

Gene: MAN2B1 (mannosidase alpha class 2B member 1; minus strand). Cytogenetic location: 19p13.13.
Variant type: Duplication.
Coding change: c.256dup on transcript NM_000528.4 (MANE Select); coding-DNA position 256, one base duplicated (T; older notation c.256dupT).
Protein change: p.Tyr86fs; shifts the reading frame from tyrosine 86.
Molecular consequence: frameshift variant.
Genome position (GRCh38, 1-based): chr19:12,665,709, A duplicated on the plus strand (T on the coding strand, the reverse complement: MAN2B1 is on the minus strand); the first of 4 consecutive A bases (chr19:12,665,709-12,665,712); duplicating any one gives the same sequence. VCF-style (leftmost placement, unchanged base first): chr19-12665708-T-TA. GRCh37 (hg19) VCF-style: chr19-12776522-T-TA.
Other names: c.256dup, p.Tyr86fs (NM_001173498.2); short protein forms Y86fs.
Identifiers: ClinVar variation 1416748 (VCV001416748.6), dbSNP rs2024217430, ClinGen allele CA2323507840.
Genomic context (GRCh38, chr19:12,665,708, plus strand): 5'-GAGGGATTACAGGGACCATGGGGATCCCAGGGACCAGTCCCCATCCTCTACTCACTTCCA[T>TA]AAAAGTACTGGTCCACGGTTTTGAGCCAGCCCACGTCATCATGTGTGTGAGGCAGCAGGT-3'